The following is an entry in ClinVar:

ClinVar aggregate classification (germline): Likely benign. Review status: criteria provided, multiple submitters, no conflicts (2 of 4 stars). 3 submissions from 3 submitters: Likely benign (3). Last evaluated 2025-09-02.

Conditions:
Frontometaphyseal dysplasia (FMD1). Identifiers: Orphanet 1826, MedGen C0265293, MONDO:0015942.
Oto-palato-digital syndrome, type II (OPD2). Also called: FACIOPALATOOSSEOUS SYNDROME; Otopalatodigital Syndrome, Type II; Otopalatodigital Syndrome Type 2 (FLNA-OPD2); OPD II SYNDROME. Identifiers: Orphanet 669, Orphanet 90652, MedGen C1844696, MONDO:0010571, OMIM 304120.
Heterotopia, periventricular, X-linked dominant (PVNH1). Also called: PERIVENTRICULAR NODULAR HETEROTOPIA 4; HETEROTOPIA, PERIVENTRICULAR, 1; PERIVENTRICULAR NODULAR HETEROTOPIA 1; X-linked periventricular heterotopia. Identifiers: Orphanet 2149, Orphanet 82004, MedGen C1848213, MONDO:0010233, OMIM 300049.
Melnick-Needles syndrome (MNS). Also called: Melnick-Needles Syndrome (FLNA-MNS); MELNICK-NEEDLES OSTEODYSPLASTY; OSTEODYSPLASTY OF MELNICK AND NEEDLES. Identifiers: Orphanet 2484, MedGen C0025237, MONDO:0010650, OMIM 309350.

Allele frequency attached by ClinVar (database versions not stated): gnomAD exomes below 0.00001; gnomAD 0.00001; TOPMed 0.00001.
gnomAD v4.1: 4 of 1,207,379 alleles (0.00033%); highest among the groups gnomAD compares: South Asian, 0.0035%; no homozygotes.

Submissions (3):

Labcorp Genetics (formerly Invitae), Labcorp
Classification: Likely benign for Oto-palato-digital syndrome, type II; Heterotopia, periventricular, X-linked dominant; Frontometaphyseal dysplasia; Melnick-Needles syndrome. Last evaluated: 2025-09-02. Review status: criteria provided, single submitter. Criteria: Invitae Variant Classification Sherloc (09022015). Collection method: clinical testing. Allele origin: germline.

GeneDx
Classification: Likely benign. Last evaluated: 2018-04-23. Review status: criteria provided, single submitter. Criteria: GeneDx Variant Classification (06012015). Collection method: clinical testing. Allele origin: germline. Affected: yes.
Comment: This variant is considered likely benign or benign based on one or more of the following criteria: it is a conservative change, it occurs at a poorly conserved position in the protein, it is predicted to be benign by multiple in silico algorithms, and/or has population frequency not consistent with disease.

Breakthrough Genomics
Classification: Likely benign. Review status: criteria provided, single submitter. Criteria: ACMG Guidelines, 2015. Collection method: not provided. Allele origin: germline. Inheritance: X-linked inheritance. Affected: yes.

NM_001110556.2(FLNA):c.7156+20C>T

Gene: FLNA (filamin A; minus strand). Cytogenetic location: Xq28.
Variant type: single nucleotide variant.
Coding change: c.7156+20C>T on transcript NM_001110556.2 (MANE Select); 20 bases into the intron after coding-DNA position 7156, C replaced by T.
Molecular consequence: intron variant.
Genome position (GRCh38, 1-based): chrX:154,350,889, G>A on the plus strand (C>T on the coding strand, the complement: FLNA is on the minus strand). VCF-style: chrX-154350889-G-A. GRCh37 (hg19) VCF-style: chrX-153579257-G-A.
Other names: c.7132+20C>T (NM_001456.4).
Identifiers: ClinVar variation 682395 (VCV000682395.10), dbSNP rs1259333622, ClinGen allele CA645171031.